The following is an entry in ClinVar:

NM_004082.5(DCTN1):c.3754T>C (p.Cys1252Arg)

Gene: DCTN1 (dynactin subunit 1; minus strand). Cytogenetic location: 2p13.1.
Variant type: single nucleotide variant.
Coding change: c.3754T>C on transcript NM_004082.5 (MANE Select); coding-DNA position 3754, T replaced by C.
Protein change: p.Cys1252Arg; replaces cysteine 1252 with arginine.
Molecular consequence: missense variant. On other transcripts: non-coding transcript variant (1).
Genome position (GRCh38, 1-based): chr2:74,361,582, A>G on the plus strand (T>C on the coding strand, the complement: DCTN1 is on the minus strand). VCF-style: chr2-74361582-A-G. GRCh37 (hg19) VCF-style: chr2-74588709-A-G.
Other names: c.3679T>C, p.Cys1227Arg (NM_001135040.3); c.3337T>C, p.Cys1113Arg (NM_001135041.3); c.3628T>C, p.Cys1210Arg (NM_001190836.2); c.3733T>C, p.Cys1245Arg (NM_001190837.2); c.3703T>C, p.Cys1235Arg (NM_001378991.1); c.3685T>C, p.Cys1229Arg (NM_001378992.1); c.3352T>C, p.Cys1118Arg (NM_023019.4); short protein forms C1113R, C1118R, C1210R, C1227R, C1245R, C1229R, C1235R, C1252R.
Identifiers: ClinVar variation 1387496 (VCV001387496.6), dbSNP rs1238095268, ClinGen allele CA347334572.

ClinVar aggregate classification (germline): Uncertain significance (1 of 4 stars; one submission).

Conditions:
Perry syndrome. Also called: PARKINSONISM WITH ALVEOLAR HYPOVENTILATION AND MENTAL DEPRESSION. Identifiers: Orphanet 178509, MedGen C1868594, MONDO:0008201, OMIM 168605.
Neuronopathy, distal hereditary motor, type 7B. Also called: Distal Hereditary Motor Neuronopathy Type 7B (dHMN7B); HMN VIIB; LOWER MOTOR NEURON DISEASE, DYNACTIN TYPE; NEURONOPATHY, DISTAL HEREDITARY MOTOR, AUTOSOMAL DOMINANT 14; NEURONOPATHY, DISTAL HEREDITARY MOTOR, HARDING TYPE VIIB; NEUROPATHY, DISTAL HEREDITARY MOTOR, HARDING TYPE VIIB. Identifiers: Orphanet 139589, MedGen C1843315, MONDO:0011879, OMIM 607641.
Amyotrophic lateral sclerosis type 1 (ALS1). Also called: AMYOTROPHIC LATERAL SCLEROSIS 1, FAMILIAL. Identifiers: Orphanet 803, MedGen C1862939, MONDO:0007103, OMIM 105400.

gnomAD v4.1: 2 of 1,614,152 alleles (0.00012%); highest among the groups gnomAD compares: South Asian, 0.0011%; no homozygotes.

Submission:

Labcorp Genetics (formerly Invitae), Labcorp
Classification: Uncertain significance for Amyotrophic lateral sclerosis type 1; Neuronopathy, distal hereditary motor, type 7B; Perry syndrome. Last evaluated: 2022-03-08. Review status: criteria provided, single submitter. Criteria: Invitae Variant Classification Sherloc (09022015). Collection method: clinical testing. Allele origin: germline.
Comment: In summary, the available evidence is currently insufficient to determine the role of this variant in disease. Therefore, it has been classified as a Variant of Uncertain Significance. Algorithms developed to predict the effect of missense changes on protein structure and function (SIFT, PolyPhen-2, Align-GVGD) all suggest that this variant is likely to be disruptive. This variant has not been reported in the literature in individuals affected with DCTN1-related conditions. This variant is not present in population databases (gnomAD no frequency). This sequence change replaces cysteine, which is neutral and slightly polar, with arginine, which is basic and polar, at codon 1252 of the DCTN1 protein (p.Cys1252Arg).